The following is an entry in ClinVar:

ClinVar aggregate classification (germline): other (0 of 4 stars; one submission).

Conditions:
Familial colorectal cancer. Identifiers: MedGen CN280943, MONDO:0023113. Disease mechanism: loss of function.

Submission:

Systems Biology Platform Zhejiang California International NanoSystems Institute
Classification: other for Familial colorectal cancer. Review status: no assertion criteria provided. Collection method: not provided. Allele origin: unknown.
ClinVar note: Converted during submission from cancer to other.

NM_000038.6(APC):c.729+2258T>C

Gene: APC (APC regulator of WNT signaling pathway; plus strand). Cytogenetic location: 5q22.2.
Variant type: single nucleotide variant.
Coding change: c.729+2258T>C on transcript NM_000038.6 (MANE Select); 2258 bases into the intron after coding-DNA position 729, T replaced by C.
Molecular consequence: intron variant.
Genome position (GRCh38, 1-based): chr5:112,794,787, T>C. VCF-style: chr5-112794787-T-C. GRCh37 (hg19) VCF-style: chr5-112130484-T-C.
Other names: c.729+2258T>C (NM_001354895.2, NM_001127510.3, NM_001354896.2 and 1 more transcripts); c.759+2258T>C (NM_001354897.2, NM_001354902.2); c.676-6492T>C (NM_001127511.3); c.654+2258T>C (NM_001354898.2, NM_001354904.2); c.-307+2258T>C (NM_001354906.2); c.646-6492T>C (NM_001354899.2); c.552+2258T>C (NM_001354900.2, NM_001354901.2, NM_001354905.2).
Identifiers: ClinVar variation 82492 (VCV000082492.2), dbSNP rs80220815, ClinGen allele CA013140.